The following is an entry in ClinVar:

ClinVar aggregate classification (germline): Uncertain significance (1 of 4 stars; one submission).

Allele frequency attached by ClinVar (database versions not stated): gnomAD exomes below 0.00001; TOPMed below 0.00001; ExAC 0.00001; gnomAD 0.00001.

Submission:

Labcorp Genetics (formerly Invitae), Labcorp
Classification: Uncertain significance. Last evaluated: 2021-10-07. Review status: criteria provided, single submitter. Criteria: Invitae Variant Classification Sherloc (09022015). Collection method: clinical testing. Allele origin: germline.
Comment: In summary, the available evidence is currently insufficient to determine the role of this variant in disease. Therefore, it has been classified as a Variant of Uncertain Significance. This variant has not been reported in the literature in individuals affected with PLTP-related conditions. This variant is present in population databases (rs772926493, ExAC 0.002%). This sequence change creates a premature translational stop signal (p.Gln359Hisfs*9) in the PLTP gene. It is expected to result in an absent or disrupted protein product. However, the current clinical and genetic evidence is not sufficient to establish whether loss-of-function variants in PLTP cause disease.

NM_006227.4(PLTP):c.1077del (p.Gln359fs)

Gene: PLTP (phospholipid transfer protein; minus strand). Cytogenetic location: 20q13.12.
Variant type: Deletion.
Coding change: c.1077del on transcript NM_006227.4 (MANE Select); coding-DNA position 1077, one base deleted (G; older notation c.1077delG).
Protein change: p.Gln359fs; shifts the reading frame from glutamine 359.
Molecular consequence: frameshift variant.
Genome position (GRCh38, 1-based): chr20:45,902,470, C deleted on the plus strand (G on the coding strand, the reverse complement: PLTP is on the minus strand). VCF-style (leftmost placement, unchanged base first): chr20-45902469-GC-G. GRCh37 (hg19) VCF-style: chr20-44531108-GC-G.
Other names: c.792del, p.Gln264fs (NM_001242920.2); c.813del, p.Gln271fs (NM_001242921.1); c.921del, p.Gln307fs (NM_182676.3); short protein forms Q264fs, Q307fs, Q271fs, Q359fs.
Identifiers: ClinVar variation 1461374 (VCV001461374.6), dbSNP rs772926493, ClinGen allele CA9883633.